The following is an entry in ClinVar:

ClinVar aggregate classification (germline): Uncertain significance (1 of 4 stars; one submission).

Allele frequency attached by ClinVar (database versions not stated): ExAC 0.00001; gnomAD exomes 0.00001; TOPMed 0.00002.
gnomAD v4.1: 3 of 1,613,534 alleles (0.00019%); highest among the groups gnomAD compares: Admixed American, 0.005%; no homozygotes.

Submission:

Labcorp Genetics (formerly Invitae), Labcorp
Classification: Uncertain significance. Last evaluated: 2022-08-19. Review status: criteria provided, single submitter. Criteria: Invitae Variant Classification Sherloc (09022015). Collection method: clinical testing. Allele origin: germline.
Comment: In summary, the available evidence is currently insufficient to determine the role of this variant in disease. Therefore, it has been classified as a Variant of Uncertain Significance. Algorithms developed to predict the effect of missense changes on protein structure and function output the following: SIFT: "Tolerated"; PolyPhen-2: "Benign"; Align-GVGD: "Class C0". The alanine amino acid residue is found in multiple mammalian species, which suggests that this missense change does not adversely affect protein function. This variant has not been reported in the literature in individuals affected with ORC6-related conditions. This variant is present in population databases (rs746596506, gnomAD 0.009%). This sequence change replaces threonine, which is neutral and polar, with alanine, which is neutral and non-polar, at codon 229 of the ORC6 protein (p.Thr229Ala).

NM_014321.4(ORC6):c.685A>G (p.Thr229Ala)

Gene: ORC6 (origin recognition complex subunit 6; plus strand). Cytogenetic location: 16q11.2.
Variant type: single nucleotide variant.
Coding change: c.685A>G on transcript NM_014321.4 (MANE Select); coding-DNA position 685, A replaced by G.
Protein change: p.Thr229Ala; replaces threonine 229 with alanine.
Molecular consequence: missense variant. On other transcripts: non-coding transcript variant (1).
Genome position (GRCh38, 1-based): chr16:46,697,511, A>G. VCF-style: chr16-46697511-A-G. GRCh37 (hg19) VCF-style: chr16-46731423-A-G.
Other names: short protein forms T229A.
Identifiers: ClinVar variation 1895983 (VCV001895983.5), dbSNP rs746596506, ClinGen allele CA8037475.